The following is an entry in ClinVar:

NM_001242896.3(DEPDC5):c.4520-12C>T

Gene: DEPDC5 (DEP domain containing 5, GATOR1 subcomplex subunit; plus strand). Cytogenetic location: 22q12.3.
Variant type: single nucleotide variant.
Coding change: c.4520-12C>T on transcript NM_001242896.3 (MANE Select); 12 bases into the intron before coding-DNA position 4520, C replaced by T.
Molecular consequence: intron variant.
Genome position (GRCh38, 1-based): chr22:31,906,193, C>T. VCF-style: chr22-31906193-C-T. GRCh37 (hg19) VCF-style: chr22-32302179-C-T.
Other names: c.4520-12C>T (NM_001364318.2); c.4493-12C>T (NM_001136029.4); c.4427-12C>T (NM_014662.6, NM_001369903.1); c.4454-12C>T (NM_001363852.2, NM_001364320.2); c.4286-12C>T (NM_001363854.2, NM_001364319.2); c.4220-12C>T (NM_001242897.2); c.4436-12C>T (NM_001369902.1, NM_001369901.1).
Identifiers: ClinVar variation 680267 (VCV000680267.1), dbSNP rs1603016321, ClinGen allele CA915950749.

ClinVar aggregate classification (germline): Likely benign (1 of 4 stars; one submission).

Submission:

GeneDx
Classification: Likely benign. Last evaluated: 2018-03-15. Review status: criteria provided, single submitter. Criteria: GeneDx Variant Classification (06012015). Collection method: clinical testing. Allele origin: germline. Affected: yes.
Comment: This variant is considered likely benign or benign based on one or more of the following criteria: it is a conservative change, it occurs at a poorly conserved position in the protein, it is predicted to be benign by multiple in silico algorithms, and/or has population frequency not consistent with disease.